The following is an entry in ClinVar:

NM_000093.5(COL5A1):c.5350G>T (p.Ala1784Ser)

Genes: COL5A1 (collagen type V alpha 1 chain; plus strand), LOC101448202 (uncharacterized LOC101448202; minus strand). Cytogenetic location: 9q34.3.
Variant type: single nucleotide variant.
Coding change: c.5350G>T on transcript NM_000093.5 (MANE Select); coding-DNA position 5350, G replaced by T.
Protein change: p.Ala1784Ser; replaces alanine 1784 with serine.
Molecular consequence: missense variant.
Genome position (GRCh38, 1-based): chr9:134,835,184, G>T. VCF-style: chr9-134835184-G-T. GRCh37 (hg19) VCF-style: chr9-137727030-G-T.
Other names: c.5350G>T (NM_000093.3); c.5350G>T, p.Ala1784Ser (NM_001278074.1); short protein forms A1784S.
Identifiers: ClinVar variation 853518 (VCV000853518.12), dbSNP rs143859495, ClinGen allele CA375460963.
Genomic context (GRCh38, chr9:134,835,184, plus strand): 5'-CTCCGCTTCCTGGGCTCCAACGACGAGGAGATGTCCTATGACAACAACCCCTACATCCGC[G>T]CCCTGGTGGACGGCTGTGCTGTGAGTATCCCGCGCCGCGCCCAGCACCCCTGCTCACGCC-3'
Protein context (NP_000084.3, residues 1774-1794): MSYDNNPYIR[Ala1784Ser]LVDGCATKKG

ClinVar aggregate classification (germline): Conflicting classifications of pathogenicity. Review status: criteria provided, conflicting classifications (1 of 4 stars). 2 submissions from 2 submitters: Uncertain significance (1); Benign (1). Last evaluated 2025-08-30.

Conditions:
Familial thoracic aortic aneurysm and aortic dissection (TAAD). Also called: Thoracic aortic aneurysms and dissections. Identifiers: Orphanet 91387, MedGen C4707243, MONDO:0019625.
Ehlers-Danlos syndrome, classic type, 1 (EDSCL1). Also called: Ehlers-Danlos syndrome, type 1; Ehlers-Danlos Syndrome, Classic Type, COL5A1-Related; EDS I; EHLERS-DANLOS SYNDROME, GRAVIS TYPE; EHLERS-DANLOS SYNDROME, SEVERE CLASSIC TYPE. Identifiers: MedGen C0268335, MONDO:0019567, OMIM 130000.

Allele frequency attached by ClinVar (database versions not stated): TOPMed 0.00002.
gnomAD v4.1: 12 of 1,613,478 alleles (0.00074%); highest among the groups gnomAD compares: African/African-American, 0.013%; no homozygotes.

Submissions (2):

Labcorp Genetics (formerly Invitae), Labcorp
Classification: Benign for Ehlers-Danlos syndrome, classic type, 1. Last evaluated: 2025-08-30. Review status: criteria provided, single submitter. Criteria: Invitae Variant Classification Sherloc (09022015). Collection method: clinical testing. Allele origin: germline.

Ambry Genetics
Classification: Uncertain significance for Familial thoracic aortic aneurysm and aortic dissection. Last evaluated: 2025-05-07. Review status: criteria provided, single submitter. Criteria: Ambry Variant Classification Scheme 2023. Collection method: clinical testing. Allele origin: germline.
Comment: The p.A1784S variant (also known as c.5350G>T), located in coding exon 65 of the COL5A1 gene, results from a G to T substitution at nucleotide position 5350. The alanine at codon 1784 is replaced by serine, an amino acid with similar properties. This amino acid position is highly conserved in available vertebrate species. In addition, the in silico prediction for this alteration is inconclusive. Based on the available evidence, the clinical significance of this variant remains unclear.